The following is an entry in ClinVar:

NM_007118.4(TRIO):c.2103G>T (p.Glu701Asp)

Gene: TRIO (trio Rho guanine nucleotide exchange factor; plus strand). Cytogenetic location: 5p15.2.
Variant type: single nucleotide variant.
Coding change: c.2103G>T on transcript NM_007118.4 (MANE Select); coding-DNA position 2103, G replaced by T.
Protein change: p.Glu701Asp; replaces glutamic acid 701 with aspartic acid.
Molecular consequence: missense variant. On other transcripts: non-coding transcript variant (1).
Genome position (GRCh38, 1-based): chr5:14,358,234, G>T. VCF-style: chr5-14358234-G-T. GRCh37 (hg19) VCF-style: chr5-14358343-G-T.
Other names: short protein forms E701D.
Identifiers: ClinVar variation 2663228 (VCV002663228.1), dbSNP rs746306727, ClinGen allele CA359204472.

ClinVar aggregate classification (germline): Uncertain significance (1 of 4 stars; one submission).

Allele frequency attached by ClinVar (database versions not stated): TOPMed below 0.00001.

Submission:

GeneDx
Classification: Uncertain significance. Last evaluated: 2023-05-10. Review status: criteria provided, single submitter. Criteria: GeneDx Variant Classification Process June 2021. Collection method: clinical testing. Allele origin: germline. Affected: yes.
Comment: Not observed at significant frequency in large population cohorts (gnomAD); In silico analysis supports that this missense variant does not alter protein structure/function; Has not been previously published as pathogenic or benign to our knowledge